The following is an entry in ClinVar:

NM_000163.5(GHR):c.344A>C (p.Asn115Thr)

Gene: GHR (growth hormone receptor; plus strand). Cytogenetic location: 5p12.
Variant type: single nucleotide variant.
Coding change: c.344A>C on transcript NM_000163.5 (MANE Select); coding-DNA position 344, A replaced by C.
Protein change: p.Asn115Thr; replaces asparagine 115 with threonine.
Molecular consequence: missense variant.
Genome position (GRCh38, 1-based): chr5:42,694,994, A>C. VCF-style: chr5-42694994-A-C. GRCh37 (hg19) VCF-style: chr5-42695096-A-C.
Other names: c.365A>C, p.Asn122Thr (NM_001242399.2); c.344A>C, p.Asn115Thr (NM_001242400.2, NM_001242401.4, NM_001242402.2 and 5 more transcripts); c.278A>C, p.Asn93Thr (NM_001242460.2); short protein forms N115T, N122T, N93T.
Identifiers: ClinVar variation 807419 (VCV000807419.5), dbSNP rs1579626395, ClinGen allele CA359695162.

ClinVar aggregate classification (germline): Pathogenic/Likely pathogenic. Review status: criteria provided, multiple submitters, no conflicts (2 of 4 stars). 2 submissions from 2 submitters: Pathogenic (1); Likely pathogenic (1). Last evaluated 2024-10-10.

Conditions:
Laron-type isolated somatotropin defect. Also called: Laron Syndrome; Growth hormone binding protein deficiency or dysfunction; Growth hormone receptor deficiency or dysfunction; Laron dwarfism; Laron type pituitary dwarfism I; GROWTH HORMONE RECEPTOR DEFICIENCY. Identifiers: Orphanet 633, MedGen C0271568, MONDO:0009877, OMIM 262500.

Submissions (2):

Labcorp Genetics (formerly Invitae), Labcorp
Classification: Pathogenic. Last evaluated: 2024-10-10. Review status: criteria provided, single submitter. Criteria: Invitae Variant Classification Sherloc (09022015). Collection method: clinical testing. Allele origin: germline.
Comment: This sequence change replaces asparagine, which is neutral and polar, with threonine, which is neutral and polar, at codon 115 of the GHR protein (p.Asn115Thr). This variant is not present in population databases (gnomAD no frequency). This missense change has been observed in individuals with Laron syndrome (PMID: 28743110, 34218547; Internal). ClinVar contains an entry for this variant (Variation ID: 807419). Invitae Evidence Modeling of protein sequence and biophysical properties (such as structural, functional, and spatial information, amino acid conservation, physicochemical variation, residue mobility, and thermodynamic stability) indicates that this missense variant is not expected to disrupt GHR protein function with a negative predictive value of 80%. For these reasons, this variant has been classified as Pathogenic.

Institute of Human Genetics Munich, TUM University Hospital
Classification: Likely pathogenic for Laron-type isolated somatotropin defect. Last evaluated: 2018-10-23. Review status: criteria provided, single submitter. Criteria: Classification criteria August 2017. Collection method: clinical testing. Allele origin: inherited. Inheritance: Autosomal recessive inheritance. Affected: yes. Observed: 1 homozygote.

Literature cited by the submitters: PubMed 28743110 (cited by Labcorp Genetics (formerly Invitae), Labcorp); PubMed 34218547 (cited by Labcorp Genetics (formerly Invitae), Labcorp).